The following is an entry in ClinVar:

NM_003919.3(SGCE):c.677T>A (p.Val226Asp)

Genes: CASD1 (CAS1 domain containing 1; plus strand), SGCE (sarcoglycan epsilon; minus strand). Cytogenetic location: 7q21.3.
Variant type: single nucleotide variant.
Coding change: c.677T>A on transcript NM_003919.3 (MANE Select); coding-DNA position 677, T replaced by A.
Protein change: p.Val226Asp; replaces valine 226 with aspartic acid.
Molecular consequence: missense variant.
Genome position (GRCh38, 1-based): chr7:94,603,438, A>T on the plus strand (T>A on the coding strand, the complement: SGCE is on the minus strand). VCF-style: chr7-94603438-A-T. GRCh37 (hg19) VCF-style: chr7-94232750-A-T.
Other names: c.677T>A, p.Val226Asp (NM_001099400.2, NM_001099401.2, NM_001346717.2); c.554T>A, p.Val185Asp (NM_001301139.2, NM_001362809.2); c.785T>A, p.Val262Asp (NM_001346713.2, NM_001346715.2); c.590T>A, p.Val197Asp (NM_001346719.2, NM_001362807.2); c.404T>A, p.Val135Asp (NM_001346720.2, NM_001362808.2); short protein forms V135D, V185D, V197D, V226D, V262D.
Identifiers: ClinVar variation 3068668 (VCV003068668.2), dbSNP rs1799584951, ClinGen allele CA368232448.

ClinVar aggregate classification (germline): Uncertain significance (1 of 4 stars; one submission).

Conditions:
Myoclonus-dystonia syndrome. Identifiers: Orphanet 36899, MedGen CN295306, MONDO:0000903.

Submission:

Molecular Genetics, Royal Melbourne Hospital
Classification: Uncertain significance for Myoclonus-dystonia syndrome. Last evaluated: 2024-07-04. Review status: criteria provided, single submitter. Criteria: ACMG Guidelines, 2015. Collection method: clinical testing. Allele origin: germline. Inheritance: Autosomal dominant inheritance. Affected: yes.
Comment: This sequence change in SGCE is predicted to replace valine with aspartic acid at codon 226, p.(Val226Asp). The valine residue is highly conserved (100 vertebrates, Multiz Alignments), and is located in an extracellular domain. There is a large physicochemical difference between valine and aspartic acid. This variant is absent from the population database gnomAD v4.1. To our knowledge, this variant has not been reported in the relevant scientific literature. Computational evidence predicts a deleterious effect for the missense substitution (REVEL = 0.918). Based on the classification scheme RMH Modified ACMG Guidelines v1.6.1, this variant is classified as a VARIANT OF UNCERTAIN SIGNIFICANCE. Following criteria are met: PM6, PM2_Supporting, PP3.